The following is an entry in ClinVar:

NM_000460.4(THPO):c.481C>G (p.Arg161Gly)

Gene: THPO (thrombopoietin; minus strand). Cytogenetic location: 3q27.1.
Variant type: single nucleotide variant.
Coding change: c.481C>G on transcript NM_000460.4 (MANE Select); coding-DNA position 481, C replaced by G.
Protein change: p.Arg161Gly; replaces arginine 161 with glycine.
Molecular consequence: missense variant. On other transcripts: intron variant (2).
Genome position (GRCh38, 1-based): chr3:184,373,094, G>C on the plus strand (C>G on the coding strand, the complement: THPO is on the minus strand). VCF-style: chr3-184373094-G-C. GRCh37 (hg19) VCF-style: chr3-184090882-G-C.
Other names: c.469C>G, p.Arg157Gly (NM_001177597.2, NM_001290022.1); c.464C>G, p.Ala155Gly (NM_001177598.2, NM_001290026.1); c.481C>G, p.Arg161Gly (NM_001289998.1, NM_001290028.1); c.901C>G, p.Arg301Gly (NM_001290003.1); c.477+4C>G (NM_001290027.1, NM_001289997.1); short protein forms A155G, R157G, R161G, R301G.
Identifiers: ClinVar variation 5016988 (VCV005016988.1).
Genomic context (GRCh38, chr3:184,373,094, plus strand): 5'-CTGTGGTGGGTGGGGCCCGCCTGACGCAGAGGGTGGACCCTCCTACAAGCATCAGGAAAC[G>C]CACCTTTCCTCGGAGCAGGTGTTGGAAGCTCAGGAAGATGGCATTGGGATCCTTGTGAGC-3'
Protein context (NP_000451.1, residues 151-171): SFQHLLRGKV[Arg161Gly]FLMLVGGSTL

ClinVar aggregate classification (germline): Uncertain significance (1 of 4 stars; one submission).

gnomAD v4.1: 1 of 1,613,912 alleles (0.000062%); highest among the groups gnomAD compares: African/African-American, 0.0013%; no homozygotes.

Submission:

GeneDx
Classification: Uncertain significance. Last evaluated: 2026-03-23. Review status: criteria provided, single submitter. Criteria: GeneDx Variant Classification Process June 2021. Collection method: clinical testing. Allele origin: germline.
Comment: Not observed at significant frequency in large population cohorts (gnomAD); In silico analysis supports that this missense variant has a deleterious effect on protein structure/function; Has not been previously published as pathogenic or benign to our knowledge